The following is an entry in ClinVar:

ClinVar aggregate classification (germline): Pathogenic. Review status: criteria provided, multiple submitters, no conflicts (2 of 4 stars). 2 submissions from 2 submitters: Pathogenic (2). Last evaluated 2025-10-29.

Conditions:
Hereditary cancer-predisposing syndrome. Also called: Hereditary neoplastic syndrome; Tumor predisposition; Neoplastic Syndromes, Hereditary; Hereditary Cancer Syndrome. Identifiers: Orphanet 140162, MedGen C0027672, MeSH D009386, MONDO:0015356.
Ataxia-telangiectasia syndrome (AT). Also called: Ataxia telangiectasia (A-T); Cerebello-oculocutaneous telangiectasia; Immunodeficiency with ataxia telangiectasia; AT, COMPLEMENTATION GROUP C; ATAXIA-TELANGIECTASIA, COMPLEMENTATION GROUP A; ATAXIA-TELANGIECTASIA, FRESNO VARIANT. Identifiers: Orphanet 100, MedGen C0004135, MONDO:0008840, OMIM 208900.

Submissions (2):

Labcorp Genetics (formerly Invitae), Labcorp
Classification: Pathogenic for Ataxia-telangiectasia syndrome. Last evaluated: 2025-10-29. Review status: criteria provided, single submitter. Criteria: Invitae Variant Classification Sherloc (09022015). Collection method: clinical testing. Allele origin: germline.
Comment: This sequence change creates a premature translational stop signal (p.Phe1774Valfs*8) in the ATM gene. It is expected to result in an absent or disrupted protein product. Loss-of-function variants in ATM are known to be pathogenic (PMID: 23807571, 25614872). This variant is not present in population databases (gnomAD no frequency). This premature translational stop signal has been observed in individual(s) with ATM-related conditions (PMID: 21665257, 28591191). This variant is also known as c.5697_5698insA. ClinVar contains an entry for this variant (Variation ID: 861195). For these reasons, this variant has been classified as Pathogenic.

Ambry Genetics
Classification: Pathogenic for Hereditary cancer-predisposing syndrome. Last evaluated: 2023-09-11. Review status: criteria provided, single submitter. Criteria: Ambry Variant Classification Scheme 2023. Collection method: clinical testing. Allele origin: germline.
Comment: The c.5318dupA pathogenic mutation, located in coding exon 34 of the ATM gene, results from a duplication of A at nucleotide position 5318, causing a translational frameshift with a predicted alternate stop codon (p.F1774Vfs*8). This alteration was identified in an individual with a clinical diagnosis of ataxia telangiectasia (Micol R et al. J Allergy Clin Immunol, 2011 Aug;128:382-9.e1). This variant is considered to be rare based on population cohorts in the Genome Aggregation Database (gnomAD). This alteration is expected to result in loss of function by premature protein truncation or nonsense-mediated mRNA decay. As such, this alteration is interpreted as a disease-causing mutation.

Literature cited by the submitters: PubMed 23807571 (cited by Labcorp Genetics (formerly Invitae), Labcorp); PubMed 25614872 (cited by Labcorp Genetics (formerly Invitae), Labcorp); PubMed 21665257 (cited by Labcorp Genetics (formerly Invitae), Labcorp and Ambry Genetics); PubMed 28591191 (cited by Labcorp Genetics (formerly Invitae), Labcorp).

NM_000051.4(ATM):c.5318dup (p.Phe1774fs)

Gene: ATM (ATM serine/threonine kinase; plus strand). Cytogenetic location: 11q22.3.
Variant type: Duplication.
Coding change: c.5318dup on transcript NM_000051.4 (MANE Select); coding-DNA position 5318, one base duplicated (A; older notation c.5318dupA).
Protein change: p.Phe1774fs; shifts the reading frame from phenylalanine 1774.
Molecular consequence: frameshift variant.
Genome position (GRCh38, 1-based): chr11:108,301,788, A duplicated; the last of 6 consecutive A bases (chr11:108,301,783-108,301,788); duplicating any one gives the same sequence. VCF-style (leftmost placement, unchanged base first): chr11-108301782-G-GA. GRCh37 (hg19) VCF-style: chr11-108172509-G-GA.
Other names: c.5318dupA (NM_000051.3); c.5318dup, p.Phe1774fs (NM_001351834.2); short protein forms F1774fs.
Identifiers: ClinVar variation 861195 (VCV000861195.11), dbSNP rs876660289, ClinGen allele CA916080497.